The following is an entry in ClinVar:

ClinVar aggregate classification (germline): Uncertain significance (1 of 4 stars; one submission).

Conditions:
Inborn genetic diseases. Identifiers: MedGen C0950123, MeSH D030342.

Allele frequency attached by ClinVar (database versions not stated): gnomAD exomes below 0.00001.
gnomAD v4.1: 2 of 1,608,996 alleles (0.00012%); highest among the groups gnomAD compares: Non-Finnish European, 0.000085%; no homozygotes.

Submission:

Ambry Genetics
Classification: Uncertain significance for Inborn genetic diseases. Last evaluated: 2022-04-19. Review status: criteria provided, single submitter. Criteria: Ambry Variant Classification Scheme 2023. Collection method: clinical testing. Allele origin: germline.
Comment: The p.S1750P variant (also known as c.5248T>C), located in coding exon 30 of the ATR gene, results from a T to C substitution at nucleotide position 5248. The serine at codon 1750 is replaced by proline, an amino acid with similar properties. This amino acid position is conserved. In addition, the in silico prediction for this alteration is inconclusive. Since supporting evidence is limited at this time, the clinical significance of this alteration remains unclear.

NM_001184.4(ATR):c.5248T>C (p.Ser1750Pro)

Gene: ATR (ATR checkpoint kinase; minus strand). Cytogenetic location: 3q23.
Variant type: single nucleotide variant.
Coding change: c.5248T>C on transcript NM_001184.4 (MANE Select); coding-DNA position 5248, T replaced by C.
Protein change: p.Ser1750Pro; replaces serine 1750 with proline.
Molecular consequence: missense variant.
Genome position (GRCh38, 1-based): chr3:142,503,402, A>G on the plus strand (T>C on the coding strand, the complement: ATR is on the minus strand). VCF-style: chr3-142503402-A-G. GRCh37 (hg19) VCF-style: chr3-142222244-A-G.
Other names: c.5056T>C, p.Ser1686Pro (NM_001354579.2); short protein forms S1750P, S1686P.
Identifiers: ClinVar variation 1746326 (VCV001746326.3), dbSNP rs2473182651, ClinGen allele CA354818409.